The following is an entry in ClinVar:

NM_007272.3(CTRC):c.410T>C (p.Ile137Thr)

Gene: CTRC (chymotrypsin C; plus strand). Cytogenetic location: 1p36.21.
Variant type: single nucleotide variant.
Coding change: c.410T>C on transcript NM_007272.3 (MANE Select); coding-DNA position 410, T replaced by C.
Protein change: p.Ile137Thr; replaces isoleucine 137 with threonine.
Molecular consequence: missense variant.
Genome position (GRCh38, 1-based): chr1:15,443,472, T>C. VCF-style: chr1-15443472-T-C. GRCh37 (hg19) VCF-style: chr1-15769967-T-C.
Other names: short protein forms I137T.
Identifiers: ClinVar variation 4842304 (VCV004842304.1).

ClinVar aggregate classification (germline): Uncertain significance (1 of 4 stars; one submission).

Conditions:
Hereditary pancreatitis (PCTT). Also called: Hereditary chronic pancreatitis; PRSS1-Related Hereditary Pancreatitis. Identifiers: Orphanet 676, MedGen C0238339, MONDO:0008185, OMIM 167800.

gnomAD v4.1: 4 of 1,614,182 alleles (0.00025%); highest among the groups gnomAD compares: Non-Finnish European, 0.00034%; no homozygotes.

Submission:

Ambry Genetics
Classification: Uncertain significance for Hereditary pancreatitis. Last evaluated: 2026-01-03. Review status: criteria provided, single submitter. Criteria: Ambry Variant Classification Scheme 2023. Collection method: clinical testing. Allele origin: germline.
Comment: The p.I137T variant (also known as c.410T>C), located in coding exon 5 of the CTRC gene, results from a T to C substitution at nucleotide position 410. The isoleucine at codon 137 is replaced by threonine, an amino acid with similar properties. This amino acid position is conserved. In addition, this alteration is predicted to be deleterious by in silico analysis. Based on the available evidence, the clinical significance of this variant remains unclear.